The following is an entry in ClinVar:

ClinVar aggregate classification (germline): Uncertain significance (1 of 4 stars; one submission).

Conditions:
Dilated cardiomyopathy 1D. Identifiers: Orphanet 154, Orphanet 54260, MedGen C1832243, MONDO:0011095, OMIM 601494.
Hypertrophic cardiomyopathy 2. Also called: TNNT2-Related Familial Hypertrophic Cardiomyopathy. Identifiers: MedGen C1861864, MONDO:0007266, OMIM 115195.
Cardiomyopathy, familial restrictive, 3. Identifiers: Orphanet 75249, MedGen C2676271, MONDO:0012900, OMIM 612422.

Allele frequency attached by ClinVar (database versions not stated): gnomAD 0.00001; TOPMed 0.00001.
gnomAD v4.1: 2 of 1,613,706 alleles (0.00012%); highest among the groups gnomAD compares: Non-Finnish European, 0.000085%; no homozygotes.

Submission:

Labcorp Genetics (formerly Invitae), Labcorp
Classification: Uncertain significance for Cardiomyopathy, familial restrictive, 3; Hypertrophic cardiomyopathy 2; Dilated cardiomyopathy 1D. Last evaluated: 2024-05-15. Review status: criteria provided, single submitter. Criteria: Invitae Variant Classification Sherloc (09022015). Collection method: clinical testing. Allele origin: germline.
Comment: This sequence change replaces valine, which is neutral and non-polar, with alanine, which is neutral and non-polar, at codon 7 of the TNNT2 protein (p.Val7Ala). This variant is not present in population databases (gnomAD no frequency). This variant has not been reported in the literature in individuals affected with TNNT2-related conditions. ClinVar contains an entry for this variant (Variation ID: 1523278). Algorithms developed to predict the effect of missense changes on protein structure and function output the following: SIFT: "Not Available"; PolyPhen-2: "Not Available"; Align-GVGD: "Not Available". The alanine amino acid residue is found in multiple mammalian species, which suggests that this missense change does not adversely affect protein function. In summary, the available evidence is currently insufficient to determine the role of this variant in disease. Therefore, it has been classified as a Variant of Uncertain Significance.

NM_001276345.2(TNNT2):c.20T>C (p.Val7Ala)

Gene: TNNT2 (troponin T2, cardiac type; minus strand). Cytogenetic location: 1q32.1.
Variant type: single nucleotide variant.
Coding change: c.20T>C on transcript NM_001276345.2 (MANE Select); coding-DNA position 20, T replaced by C.
Protein change: p.Val7Ala; replaces valine 7 with alanine.
Molecular consequence: missense variant.
Genome position (GRCh38, 1-based): chr1:201,373,235, A>G on the plus strand (T>C on the coding strand, the complement: TNNT2 is on the minus strand). VCF-style: chr1-201373235-A-G. GRCh37 (hg19) VCF-style: chr1-201342363-A-G.
Other names: c.20T>C, p.Val7Ala (NM_000364.4, NM_001001430.3, NM_001001431.3 and 3 more transcripts); short protein forms V7A.
Identifiers: ClinVar variation 1523278 (VCV001523278.8), dbSNP rs970498944, ClinGen allele CA35432770.
Genomic context (GRCh38, chr1:201,373,235, plus strand): 5'-GAGAGGACCCCACTCAGGCAAGATGCTCCAGATACTCACTCCTCCTCGTACTCTTCCACC[A>G]CCTCTTCTATGTCAGACATGGTCTCTGCTCTCCCTCCAAAAGGAGAAAAAAGTCAGTGCA-3'
Protein context (NP_001263274.1, residues 1-17): MSDIEE[Val7Ala]VEEYEEEEQE